The following is an entry in ClinVar:

ClinVar aggregate classification (germline): other (0 of 4 stars; one submission).

Conditions:
Familial colorectal cancer. Identifiers: MedGen CN280943, MONDO:0023113. Disease mechanism: loss of function.

Submission:

Systems Biology Platform Zhejiang California International NanoSystems Institute
Classification: other for Familial colorectal cancer. Review status: no assertion criteria provided. Collection method: not provided. Allele origin: unknown.
ClinVar note: Converted during submission from cancer to other.

NM_000038.6(APC):c.1958+378C>A

Gene: APC (APC regulator of WNT signaling pathway; plus strand). Cytogenetic location: 5q22.2.
Variant type: single nucleotide variant.
Coding change: c.1958+378C>A on transcript NM_000038.6 (MANE Select); 378 bases into the intron after coding-DNA position 1958, C replaced by A.
Molecular consequence: intron variant.
Genome position (GRCh38, 1-based): chr5:112,835,543, C>A. VCF-style: chr5-112835543-C-A. GRCh37 (hg19) VCF-style: chr5-112171240-C-A.
Other names: c.1958+378C>A (NM_001354895.2, NM_001127510.3); c.1988+378C>A (NM_001354897.2); c.1685+378C>A (NM_001354902.2); c.1904+378C>A (NM_001127511.3); c.1883+378C>A (NM_001354898.2); c.1580+378C>A (NM_001354904.2); c.1109+378C>A (NM_001354906.2); c.2012+378C>A (NM_001354896.2); and 5 more.
Identifiers: ClinVar variation 83214 (VCV000083214.2), dbSNP rs80253473, ClinGen allele CA006635.
Genomic context (GRCh38, chr5:112,835,543, plus strand): 5'-AATTTAGAACAAGACAAAAACTATGAGCGTGATCCAGAGAATATAAAGGTTCACATTTTT[C>A]TAATGATGTCTTAGTATCCATAATAATAATTTTTTTTTTTTTTTTTTGAGACAGGGTCTC-3'